The following is an entry in ClinVar:

ClinVar aggregate classification (germline): Likely benign (1 of 4 stars; one submission).

gnomAD v4.1: 1 of 1,591,774 alleles (0.000063%); highest among the groups gnomAD compares: South Asian, 0.0011%; no homozygotes.

Submission:

GeneDx
Classification: Likely benign. Last evaluated: 2026-01-30. Review status: criteria provided, single submitter. Criteria: GeneDx Variant Classification Process June 2021. Collection method: clinical testing. Allele origin: germline. Affected: yes.
Comment: See Variant Classification Assertion Criteria.

NM_033310.3(KCNK4):c.890C>G (p.Pro297Arg)

Genes: KCNK4 (potassium two pore domain channel subfamily K member 4; plus strand), KCNK4-CATSPERZ (KCNK4-CATSPERZ readthrough (NMD candidate); plus strand). Cytogenetic location: 11q13.1.
Variant type: single nucleotide variant.
Coding change: c.890C>G on transcript NM_033310.3 (MANE Select); coding-DNA position 890, C replaced by G.
Protein change: p.Pro297Arg; replaces proline 297 with arginine.
Molecular consequence: missense variant. On other transcripts: non-coding transcript variant (3).
Genome position (GRCh38, 1-based): chr11:64,299,434, C>G. VCF-style: chr11-64299434-C-G. GRCh37 (hg19) VCF-style: chr11-64066906-C-G.
Other names: c.890C>G, p.Pro297Arg (NM_001317090.2, NM_033311.1); short protein forms P297R.
Identifiers: ClinVar variation 2442566 (VCV002442566.2), dbSNP rs2034866450, ClinGen allele CA381067386.